The following is an entry in ClinVar:

ClinVar aggregate classification (germline): Uncertain significance. Review status: criteria provided, multiple submitters, no conflicts (2 of 4 stars). 2 submissions from 2 submitters: Uncertain significance (2). Last evaluated 2024-05-06.

Conditions:
Brachyolmia-amelogenesis imperfecta syndrome. Also called: PLATYSPONDYLY WITH AMELOGENESIS IMPERFECTA; Tooth agenesis, selective, 6; Dental anomalies and short stature. Identifiers: Orphanet 2899, MedGen C1832594, MONDO:0011018, OMIM 601216. Disease mechanism: loss of function.
Geleophysic dysplasia 3. Identifiers: MedGen C4540511, MONDO:0054722, OMIM 617809.
Inborn genetic diseases. Identifiers: MedGen C0950123, MeSH D030342.

Allele frequency attached by ClinVar (database versions not stated): gnomAD exomes below 0.00001.
gnomAD v4.1: 2 of 1,614,174 alleles (0.00012%); highest among the groups gnomAD compares: South Asian, 0.0011%; no homozygotes.

Submissions (2):

Labcorp Genetics (formerly Invitae), Labcorp
Classification: Uncertain significance for Brachyolmia-amelogenesis imperfecta syndrome. Last evaluated: 2024-05-06. Review status: criteria provided, single submitter. Criteria: Invitae Variant Classification Sherloc (09022015). Collection method: clinical testing. Allele origin: germline.
Comment: This sequence change replaces glutamic acid, which is acidic and polar, with lysine, which is basic and polar, at codon 358 of the LTBP3 protein (p.Glu358Lys). This variant is not present in population databases (gnomAD no frequency). This variant has not been reported in the literature in individuals affected with LTBP3-related conditions. ClinVar contains an entry for this variant (Variation ID: 1003708). An algorithm developed to predict the effect of missense changes on protein structure and function (PolyPhen-2) suggests that this variant is likely to be disruptive. In summary, the available evidence is currently insufficient to determine the role of this variant in disease. Therefore, it has been classified as a Variant of Uncertain Significance.

Ambry Genetics
Classification: Uncertain significance for Inborn genetic diseases. Last evaluated: 2021-09-09. Review status: criteria provided, single submitter. Criteria: Ambry Variant Classification Scheme 2023. Collection method: clinical testing. Allele origin: germline.
Comment: The p.E358K variant (also known as c.1072G>A), located in coding exon 6 of the LTBP3 gene, results from a G to A substitution at nucleotide position 1072. The glutamic acid at codon 358 is replaced by lysine, an amino acid with similar properties. This amino acid position is conserved. In addition, this alteration is predicted to be deleterious by in silico analysis. Since supporting evidence is limited at this time, the clinical significance of this alteration remains unclear.

NM_001130144.3(LTBP3):c.1072G>A (p.Glu358Lys)

Gene: LTBP3 (latent transforming growth factor beta binding protein 3; minus strand). Cytogenetic location: 11q13.1.
Variant type: single nucleotide variant.
Coding change: c.1072G>A on transcript NM_001130144.3 (MANE Select); coding-DNA position 1072, G replaced by A.
Protein change: p.Glu358Lys; replaces glutamic acid 358 with lysine.
Molecular consequence: missense variant.
Genome position (GRCh38, 1-based): chr11:65,552,974, C>T on the plus strand (G>A on the coding strand, the complement: LTBP3 is on the minus strand). VCF-style: chr11-65552974-C-T. GRCh37 (hg19) VCF-style: chr11-65320445-C-T.
Other names: c.721G>A, p.Glu241Lys (NM_001164266.1); c.1072G>A, p.Glu358Lys (NM_021070.4); short protein forms E241K, E358K.
Identifiers: ClinVar variation 1003708 (VCV001003708.16), dbSNP rs913431428, ClinGen allele CA223969423.